The following is an entry in ClinVar:

ClinVar aggregate classification (germline): Uncertain significance (1 of 4 stars; one submission).

Submission:

Labcorp Genetics (formerly Invitae), Labcorp
Classification: Uncertain significance. Last evaluated: 2024-10-20. Review status: criteria provided, single submitter. Criteria: Invitae Variant Classification Sherloc (09022015). Collection method: clinical testing. Allele origin: germline.
Comment: This sequence change replaces glutamine, which is neutral and polar, with arginine, which is basic and polar, at codon 562 of the TCIRG1 protein (p.Gln562Arg). This variant is not present in population databases (gnomAD no frequency). This variant has not been reported in the literature in individuals affected with TCIRG1-related conditions. Invitae Evidence Modeling of protein sequence and biophysical properties (such as structural, functional, and spatial information, amino acid conservation, physicochemical variation, residue mobility, and thermodynamic stability) indicates that this missense variant is not expected to disrupt TCIRG1 protein function with a negative predictive value of 80%. In summary, the available evidence is currently insufficient to determine the role of this variant in disease. Therefore, it has been classified as a Variant of Uncertain Significance.

NM_006019.4(TCIRG1):c.1685A>G (p.Gln562Arg)

Gene: TCIRG1 (T cell immune regulator 1, ATPase H+ transporting V0 subunit a3; plus strand). Cytogenetic location: 11q13.2.
Variant type: single nucleotide variant.
Coding change: c.1685A>G on transcript NM_006019.4 (MANE Select); coding-DNA position 1685, A replaced by G.
Protein change: p.Gln562Arg; replaces glutamine 562 with arginine.
Molecular consequence: missense variant.
Genome position (GRCh38, 1-based): chr11:68,049,092, A>G. VCF-style: chr11-68049092-A-G. GRCh37 (hg19) VCF-style: chr11-67816559-A-G.
Other names: c.791A>G, p.Gln264Arg (NM_001351059.2); c.1037A>G, p.Gln346Arg (NM_006053.4); short protein forms Q562R, Q264R, Q346R.
Identifiers: ClinVar variation 3666626 (VCV003666626.2).
Genomic context (GRCh38, chr11:68,049,092, plus strand): 5'-GGCAGGCCAGAGTGGGCCCCAGTGAGCACACCTCCCTCTTGCCCGCCAGGCACTTTGGCC[A>G]GAGGCACCGGCTGCTGCTGGAGACGCTGCCGGAGCTCACCTTCCTGCTGGGACTCTTCGG-3'
Protein context (NP_006010.2, residues 552-572): LGVFNHVHFG[Gln562Arg]RHRLLLETLP